The following is an entry in ClinVar:

ClinVar aggregate classification (germline): Uncertain significance (1 of 4 stars; one submission).

Conditions:
Hereditary cancer-predisposing syndrome. Also called: Hereditary Cancer Syndrome; Hereditary neoplastic syndrome; Tumor predisposition; Neoplastic Syndromes, Hereditary. Identifiers: Orphanet 140162, MedGen C0027672, MeSH D009386, MONDO:0015356.

Submission:

Ambry Genetics
Classification: Uncertain significance for Hereditary cancer-predisposing syndrome. Last evaluated: 2024-07-11. Review status: criteria provided, single submitter. Criteria: Ambry Variant Classification Scheme 2023. Collection method: clinical testing. Allele origin: germline.
Comment: The p.D251N variant (also known as c.751G>A), located in coding exon 2 of the ALK gene, results from a G to A substitution at nucleotide position 751. The aspartic acid at codon 251 is replaced by asparagine, an amino acid with highly similar properties. This amino acid position is conserved. In addition, this alteration is predicted to be tolerated by in silico analysis. Based on the available evidence, the clinical significance of this variant remains unclear.

NM_004304.5(ALK):c.751G>A (p.Asp251Asn)

Gene: ALK (ALK receptor tyrosine kinase; minus strand). Cytogenetic location: 2p23.2.
Variant type: single nucleotide variant.
Coding change: c.751G>A on transcript NM_004304.5 (MANE Select); coding-DNA position 751, G replaced by A.
Protein change: p.Asp251Asn; replaces aspartic acid 251 with asparagine.
Molecular consequence: missense variant.
Genome position (GRCh38, 1-based): chr2:29,717,614, C>T on the plus strand (G>A on the coding strand, the complement: ALK is on the minus strand). VCF-style: chr2-29717614-C-T. GRCh37 (hg19) VCF-style: chr2-29940480-C-T.
Other names: short protein forms D251N.
Identifiers: ClinVar variation 3524073 (VCV003524073.1).
Genomic context (GRCh38, chr2:29,717,614, plus strand): 5'-AGTAAATATTAAACATATACTTACCATATCGGCTGCGATGAGACAGGAAAGGGAAGGAGT[C>T]TTTCATTATCCAGGTGAGATTCCATGTAAAATAATCAGGAGAAGGAGAAGGCATGTTTGT-3'
Protein context (NP_004295.2, residues 241-261): FTWNLTWIMK[Asp251Asn]SFPFLSHRSR